The following is an entry in ClinVar:

ClinVar aggregate classification (germline): Uncertain significance. Review status: criteria provided, multiple submitters, no conflicts (2 of 4 stars). 5 submissions from 5 submitters: Uncertain significance (5). Last evaluated 2026-09-11.

Conditions:
Early-infantile DEE. Also called: Early infantile epileptic encephalopathy; Ohtahara syndrome; Early infantile epileptic encephalopathy with suppression bursts. Identifiers: Orphanet 1934, MedGen C0393706, MONDO:0800491.
Severe myoclonic epilepsy in infancy (DRVT). Also called: SEVERE MYOCLONIC EPILEPSY OF INFANCY; DEVELOPMENTAL AND EPILEPTIC ENCEPHALOPATHY 6A; Severe Myoclonic Epilepsy in Infancy (SMEI); Epileptic encephalopathy, early infantile, 6 (Dravet syndrome); Dravet syndrome. Identifiers: Orphanet 33069, MedGen C0751122, MONDO:0100135, OMIM 607208.
SCN1A-related disorder. Also called: SCN1A-related disorders; SCN1A-related conditions; SCN1A-related condition.
Generalized epilepsy with febrile seizures plus, type 2 (GEFSP2). Also called: GEFS+, TYPE 2. Identifiers: Orphanet 36387, MedGen C1858673, MONDO:0011461, OMIM 604403.

Allele frequency attached by ClinVar (database versions not stated): gnomAD 0.00001 and 0.00003; TOPMed 0.00001.
gnomAD v4.1: 8 of 1,591,890 alleles (0.0005%); highest among the groups gnomAD compares: African/African-American, 0.0027%; no homozygotes.

Submissions (5):

GeneDx
Classification: Uncertain significance. Last evaluated: 2026-09-11. Review status: criteria provided, single submitter. Criteria: GeneDx Variant Classification Process June 2021. Collection method: clinical testing. Allele origin: germline.
Comment: Has not been previously published as pathogenic or benign to our knowledge; In silico analysis supports that this missense variant has a deleterious effect on protein structure/function; This substitution is predicted to be within the cytoplasmic loop between the first and second homologous domains

Daryl Scott Lab, Baylor College of Medicine
Classification: Uncertain significance for SCN1A-related disorder. Last evaluated: 2025-08-25. Review status: criteria provided, single submitter. Criteria: ACMG Guidelines, 2015. Collection method: clinical testing. Allele origin: unknown. Affected: yes. Observed: 1 heterozygote.
Comment: PM2, PP3

Labcorp Genetics (formerly Invitae), Labcorp
Classification: Uncertain significance for Early-infantile DEE. Last evaluated: 2025-07-14. Review status: criteria provided, single submitter. Criteria: Invitae Variant Classification Sherloc (09022015). Collection method: clinical testing. Allele origin: germline.
Comment: This sequence change replaces cysteine, which is neutral and slightly polar, with tyrosine, which is neutral and polar, at codon 734 of the SCN1A protein (p.Cys734Tyr). This variant is not present in population databases (gnomAD no frequency). This variant has not been reported in the literature in individuals affected with SCN1A-related conditions. ClinVar contains an entry for this variant (Variation ID: 1031898). Invitae Evidence Modeling of protein sequence and biophysical properties (such as structural, functional, and spatial information, amino acid conservation, physicochemical variation, residue mobility, and thermodynamic stability) indicates that this missense variant is expected to disrupt SCN1A protein function with a positive predictive value of 95%. In summary, the available evidence is currently insufficient to determine the role of this variant in disease. Therefore, it has been classified as a Variant of Uncertain Significance.

New York Genome Center
Classification: Uncertain significance for Severe myoclonic epilepsy in infancy. Last evaluated: 2020-07-10. Review status: criteria provided, single submitter. Criteria: NYGC Assertion Criteria 2020. Collection method: clinical testing. Allele origin: inherited. Observed: 1 heterozygote. Study: CSER-NYCKidSeq.
Comment: The inherited c.2168G>A (p.Cys723Tyr) variant identified in the SCN1A gene substitutes a very well conserved Cystine for Tyrosine at amino acid 723/1999 (exon 16/29). This variant is found with low frequency in gnomAD(v3.0) (4 heterozygotes, 0 homozygotes; allele frequency: 2.90e-5) suggesting it is not a common benign variant in the populations represented in that database. In silico algorithms predict this variant to be Deleterious (Provean; score:-10.59) and Damaging (SIFT; score:0.00) to the function of the canonical transcript. This variant is absent from ClinVar and to our current knowledge has not been reported in affected individuals in the literature. The p.Cys723 residue is not within a mapped domain of SCN1A (UniProtKB:P35498). Given the lack of compelling evidence for its pathogenicity, the inherited c.2168G>A (p.Cys723Tyr) variant identified in the SCN1A gene is reported as a Variant of Uncertain Significance.

Baylor Genetics
Classification: Uncertain significance for Generalized epilepsy with febrile seizures plus, type 2. Last evaluated: 2018-07-19. Review status: criteria provided, single submitter. Criteria: ACMG Guidelines, 2015. Collection method: clinical testing. Allele origin: unknown. Affected: yes.
Comment: This variant was determined to be of uncertain significance according to ACMG Guidelines, 2015 [PMID:25741868].

NM_001165963.4(SCN1A):c.2201G>A (p.Cys734Tyr)

Gene: SCN1A (sodium voltage-gated channel alpha subunit 1; minus strand). Cytogenetic location: 2q24.3.
Variant type: single nucleotide variant.
Coding change: c.2201G>A on transcript NM_001165963.4 (MANE Select); coding-DNA position 2201, G replaced by A.
Protein change: p.Cys734Tyr; replaces cysteine 734 with tyrosine.
Molecular consequence: missense variant. On other transcripts: 5 prime UTR variant (1), non-coding transcript variant (1).
Genome position (GRCh38, 1-based): chr2:166,041,445, C>T on the plus strand (G>A on the coding strand, the complement: SCN1A is on the minus strand). VCF-style: chr2-166041445-C-T. GRCh37 (hg19) VCF-style: chr2-166897955-C-T.
Other names: c.2117G>A, p.Cys706Tyr (NM_001165964.3, NM_001353957.2, NM_001353958.2); c.2201G>A, p.Cys734Tyr (NM_001202435.3, NM_001353948.2); c.2168G>A, p.Cys723Tyr (NM_001353949.2, NM_001353950.2, NM_001353951.2 and 2 more transcripts); c.2165G>A, p.Cys722Tyr (NM_001353954.2, NM_001353955.2); c.2114G>A, p.Cys705Tyr (NM_001353960.2); c.-258G>A (NM_001353961.2); short protein forms C723Y, C706Y, C722Y, C734Y, C705Y.
Identifiers: ClinVar variation 1031898 (VCV001031898.14), dbSNP rs1247949520, ClinGen allele CA349065220.
Genomic context (GRCh38, chr2:166,041,445, plus strand): 5'-CAATATGGAGAACAGTCCCAGATTAAGAATATGTTGGAAAATTTATACCAACAGGGTGGG[C>T]ATTTCTGCCTGGATTCTTCAAGTTCTAGATTAAGAAAAAAAAAAAAAAGAACCACCAAAA-3'
Protein context (NP_001159435.1, residues 724-744): VEELEESRQK[Cys734Tyr]PPCWYKFSNI